The following is an entry in ClinVar:

ClinVar aggregate classification (germline): Uncertain significance (1 of 4 stars; one submission).

Allele frequency attached by ClinVar (database versions not stated): gnomAD exomes below 0.00001.

Submission:

Labcorp Genetics (formerly Invitae), Labcorp
Classification: Uncertain significance. Last evaluated: 2021-07-17. Review status: criteria provided, single submitter. Criteria: Invitae Variant Classification Sherloc (09022015). Collection method: clinical testing. Allele origin: germline.
Comment: Experimental studies and prediction algorithms are not available or were not evaluated, and the functional significance of this variant is currently unknown. This sequence change replaces glutamic acid with aspartic acid at codon 67 of the MAK protein (p.Glu67Asp). The glutamic acid residue is highly conserved and there is a small physicochemical difference between glutamic acid and aspartic acid. This variant is not present in population databases (ExAC no frequency). This variant has not been reported in the literature in individuals affected with MAK-related conditions. In summary, the available evidence is currently insufficient to determine the role of this variant in disease. Therefore, it has been classified as a Variant of Uncertain Significance.

NM_001242957.3(MAK):c.201A>C (p.Glu67Asp)

Gene: MAK (male germ cell associated kinase; minus strand). Cytogenetic location: 6p24.2.
Variant type: single nucleotide variant.
Coding change: c.201A>C on transcript NM_001242957.3 (MANE Select); coding-DNA position 201, A replaced by C.
Protein change: p.Glu67Asp; replaces glutamic acid 67 with aspartic acid.
Molecular consequence: missense variant. On other transcripts: non-coding transcript variant (2).
Genome position (GRCh38, 1-based): chr6:10,817,927, T>G on the plus strand (A>C on the coding strand, the complement: MAK is on the minus strand). VCF-style: chr6-10817927-T-G. GRCh37 (hg19) VCF-style: chr6-10818160-T-G.
Other names: c.201A>C, p.Glu67Asp (NM_001242385.2, NM_005906.6); c.99A>C, p.Glu33Asp (NM_001377262.1); short protein forms E33D, E67D.
Identifiers: ClinVar variation 1506123 (VCV001506123.6), dbSNP rs2127576665, ClinGen allele CA362721428.